The following is an entry in ClinVar:

NM_170682.4(P2RX2):c.1118A>T (p.Tyr373Phe)

Gene: P2RX2 (purinergic receptor P2X 2; plus strand). Cytogenetic location: 12q24.33.
Variant type: single nucleotide variant.
Coding change: c.1118A>T on transcript NM_170682.4 (MANE Select); coding-DNA position 1118, A replaced by T.
Protein change: p.Tyr373Phe; replaces tyrosine 373 with phenylalanine.
Molecular consequence: missense variant. On other transcripts: 3 prime UTR variant (1).
Genome position (GRCh38, 1-based): chr12:132,621,674, A>T. VCF-style: chr12-132621674-A-T. GRCh37 (hg19) VCF-style: chr12-133198260-A-T.
Other names: c.1016A>T, p.Tyr339Phe (NM_001282164.2); c.*165A>T (NM_001282165.2); c.902A>T, p.Tyr301Phe (NM_012226.5); c.1046A>T, p.Tyr349Phe (NM_016318.4); c.1196A>T, p.Tyr399Phe (NM_170683.4); c.842A>T, p.Tyr281Phe (NM_174872.3); c.1118A>T, p.Tyr373Phe (NM_174873.3); c.1118A>T (NM_174873.2); short protein forms Y373F, Y399F, Y281F, Y349F, Y301F, Y339F.
Identifiers: ClinVar variation 3884885 (VCV003884885.3).
Genomic context (GRCh38, chr12:132,621,674, plus strand): 5'-CCCAGGGCTCCTTCCTGTGCGACTGGATCTTGCTAACATTCATGAACAAAAACAAGGTCT[A>T]CAGCCATAAGAAATTTGACAAGGTGTGTACGCCGAGCCACCCCTCAGGTAGCTGGCCTGT-3'
Protein context (NP_733782.1, residues 363-383): LLTFMNKNKV[Tyr373Phe]SHKKFDKVCT

ClinVar aggregate classification (germline): Conflicting classifications of pathogenicity. Review status: criteria provided, conflicting classifications (1 of 4 stars). 3 submissions from 3 submitters: Uncertain significance (1); Likely benign (2). Last evaluated 2026-02-13.

Conditions:
P2RX2-related disorder. Also called: P2RX2-related condition.

Submissions (3):

PreventionGenetics, part of Exact Sciences
Classification: Likely benign for P2RX2-related condition. Last evaluated: 2026-02-13. Review status: criteria provided, single submitter. Criteria: ACMG Guidelines, 2015. Collection method: clinical testing. Allele origin: germline.
Comment: This variant is classified as likely benign based on ACMG/AMP sequence variant interpretation guidelines (Richards et al. 2015 PMID: 25741868, with internal and published modifications).

Labcorp Genetics (formerly Invitae), Labcorp
Classification: Likely benign. Last evaluated: 2025-02-04. Review status: criteria provided, single submitter. Criteria: Invitae Variant Classification Sherloc (09022015). Collection method: clinical testing. Allele origin: germline.

Ambry Genetics
Classification: Uncertain significance. Last evaluated: 2024-12-25. Review status: criteria provided, single submitter. Criteria: Ambry Variant Classification Scheme 2023. Collection method: clinical testing. Allele origin: germline.